The following is an entry in ClinVar:

NM_198129.4(LAMA3):c.6093C>G (p.Tyr2031Ter)

Gene: LAMA3 (laminin subunit alpha 3; plus strand). Cytogenetic location: 18q11.2.
Variant type: single nucleotide variant.
Coding change: c.6093C>G on transcript NM_198129.4 (MANE Select); coding-DNA position 6093, C replaced by G.
Protein change: p.Tyr2031Ter; replaces tyrosine 2031 with a stop codon.
Molecular consequence: nonsense.
Genome position (GRCh38, 1-based): chr18:23,901,215, C>G. VCF-style: chr18-23901215-C-G. GRCh37 (hg19) VCF-style: chr18-21481179-C-G.
Other names: c.1266C>G, p.Tyr422Ter (NM_000227.6); c.5925C>G, p.Tyr1975Ter (NM_001127717.4); c.1098C>G, p.Tyr366Ter (NM_001127718.4); short protein forms Y2031*, Y366*, Y1975*, Y422*.
Identifiers: ClinVar variation 1455512 (VCV001455512.5), dbSNP rs752860014, ClinGen allele CA402048075.

ClinVar aggregate classification (germline): Pathogenic (1 of 4 stars; one submission).

Submission:

Labcorp Genetics (formerly Invitae), Labcorp
Classification: Pathogenic. Last evaluated: 2022-06-12. Review status: criteria provided, single submitter. Criteria: Invitae Variant Classification Sherloc (09022015). Collection method: clinical testing. Allele origin: germline.
Comment: This variant has not been reported in the literature in individuals affected with LAMA3-related conditions. This variant is not present in population databases (gnomAD no frequency). This sequence change creates a premature translational stop signal (p.Tyr422*) in the LAMA3 gene. It is expected to result in an absent or disrupted protein product. Loss-of-function variants in LAMA3 are known to be pathogenic (PMID: 10366601, 11810295, 12915477, 16473856, 17362460, 22434185, 23869449, 27827380, 28087116). Algorithms developed to predict the effect of sequence changes on RNA splicing suggest that this variant may disrupt the consensus splice site. For these reasons, this variant has been classified as Pathogenic.

Literature cited by the submitters: PubMed 10366601; PubMed 11810295; PubMed 12915477; PubMed 16473856; PubMed 17362460; PubMed 22434185; PubMed 23869449; PubMed 27827380; PubMed 28087116.